The following is an entry in ClinVar:

ClinVar aggregate classification (germline): Uncertain significance. Review status: criteria provided, multiple submitters, no conflicts (2 of 4 stars). 2 submissions from 2 submitters: Uncertain significance (2). Last evaluated 2024-07-01.

Conditions:
Tuberous sclerosis 1 (TSC1). Identifiers: Orphanet 805, MedGen C1854465, MONDO:0008612, OMIM 191100.
Hereditary cancer-predisposing syndrome. Also called: Neoplastic Syndromes, Hereditary; Hereditary neoplastic syndrome; Tumor predisposition; Hereditary Cancer Syndrome. Identifiers: Orphanet 140162, MedGen C0027672, MeSH D009386, MONDO:0015356.

Submissions (2):

Labcorp Genetics (formerly Invitae), Labcorp
Classification: Uncertain significance for Tuberous sclerosis 1. Last evaluated: 2024-07-01. Review status: criteria provided, single submitter. Criteria: Invitae Variant Classification Sherloc (09022015). Collection method: clinical testing. Allele origin: germline.
Comment: This sequence change replaces glutamine, which is neutral and polar, with histidine, which is basic and polar, at codon 926 of the TSC1 protein (p.Gln926His). This variant is not present in population databases (gnomAD no frequency). This variant has not been reported in the literature in individuals affected with TSC1-related conditions. ClinVar contains an entry for this variant (Variation ID: 534407). Advanced modeling of protein sequence and biophysical properties (such as structural, functional, and spatial information, amino acid conservation, physicochemical variation, residue mobility, and thermodynamic stability) performed at Invitae indicates that this missense variant is not expected to disrupt TSC1 protein function with a negative predictive value of 95%. In summary, the available evidence is currently insufficient to determine the role of this variant in disease. Therefore, it has been classified as a Variant of Uncertain Significance.

Ambry Genetics
Classification: Uncertain significance for Hereditary cancer-predisposing syndrome. Last evaluated: 2023-03-22. Review status: criteria provided, single submitter. Criteria: Ambry Variant Classification Scheme 2023. Collection method: clinical testing. Allele origin: germline.
Comment: The p.Q926H variant (also known as c.2778G>C), located in coding exon 19 of the TSC1 gene, results from a G to C substitution at nucleotide position 2778. The glutamine at codon 926 is replaced by histidine, an amino acid with highly similar properties. This amino acid position is conserved. In addition, this alteration is predicted to be deleterious by in silico analysis. Since supporting evidence is limited at this time, the clinical significance of this alteration remains unclear.

NM_000368.5(TSC1):c.2778G>C (p.Gln926His)

Gene: TSC1 (TSC complex subunit 1; minus strand). Cytogenetic location: 9q34.13.
Variant type: single nucleotide variant.
Coding change: c.2778G>C on transcript NM_000368.5 (MANE Select); coding-DNA position 2778, G replaced by C.
Protein change: p.Gln926His; replaces glutamine 926 with histidine.
Molecular consequence: missense variant.
Genome position (GRCh38, 1-based): chr9:132,897,458, C>G on the plus strand (G>C on the coding strand, the complement: TSC1 is on the minus strand). VCF-style: chr9-132897458-C-G. GRCh37 (hg19) VCF-style: chr9-135772845-C-G.
Other names: c.2775G>C, p.Gln925His (NM_001162426.2); c.2625G>C, p.Gln875His (NM_001162427.2); c.2415G>C, p.Gln805His (NM_001362177.2); short protein forms Q926H, Q875H, Q925H, Q805H.
Identifiers: ClinVar variation 534407 (VCV000534407.10), dbSNP rs1554813423, ClinGen allele CA375369131.
Genomic context (GRCh38, chr9:132,897,458, plus strand): 5'-AAAAGCCTTTCCTGATGAAAGTTACCTTGCCTGGAGTTTGACATCCTCTAGATATTTCTT[C>G]TGTTCCAAAAGAAGGTGGTCTTTCTTGGCCAGGTGAGATTCCAGTTCCAAAATCCGTTTT-3'
Protein context (NP_000359.1, residues 916-936): LAKKDHLLLE[Gln926His]KKYLEDVKLQ